The following is an entry in ClinVar:

NM_007254.4(PNKP):c.7G>A (p.Glu3Lys)

Gene: PNKP (polynucleotide kinase 3'-phosphatase; minus strand). Cytogenetic location: 19q13.33.
Variant type: single nucleotide variant.
Coding change: c.7G>A on transcript NM_007254.4 (MANE Select); coding-DNA position 7, G replaced by A.
Protein change: p.Glu3Lys; replaces glutamic acid 3 with lysine.
Molecular consequence: missense variant.
Genome position (GRCh38, 1-based): chr19:49,867,198, C>T on the plus strand (G>A on the coding strand, the complement: PNKP is on the minus strand). VCF-style: chr19-49867198-C-T. GRCh37 (hg19) VCF-style: chr19-50370455-C-T.
Other names: short protein forms E3K.
Identifiers: ClinVar variation 2417791 (VCV002417791.8), dbSNP rs2514644340, ClinGen allele CA406893980.

ClinVar aggregate classification (germline): Uncertain significance (1 of 4 stars; one submission).

Conditions:
Developmental and epileptic encephalopathy, 12 (DEE12). Identifiers: MedGen C3150988, MONDO:0013389, OMIM 613722.

Allele frequency attached by ClinVar (database versions not stated): gnomAD exomes below 0.00001.
gnomAD v4.1: 1 of 1,610,864 alleles (0.000062%); highest among the groups gnomAD compares: Middle Eastern, 0.017%; no homozygotes.

Submission:

Labcorp Genetics (formerly Invitae), Labcorp
Classification: Uncertain significance for Developmental and epileptic encephalopathy, 12. Last evaluated: 2022-08-21. Review status: criteria provided, single submitter. Criteria: Invitae Variant Classification Sherloc (09022015). Collection method: clinical testing. Allele origin: germline.
Comment: In summary, the available evidence is currently insufficient to determine the role of this variant in disease. Therefore, it has been classified as a Variant of Uncertain Significance. Algorithms developed to predict the effect of missense changes on protein structure and function (SIFT, PolyPhen-2, Align-GVGD) all suggest that this variant is likely to be tolerated. This variant has not been reported in the literature in individuals affected with PNKP-related conditions. This variant is not present in population databases (gnomAD no frequency). This sequence change replaces glutamic acid, which is acidic and polar, with lysine, which is basic and polar, at codon 3 of the PNKP protein (p.Glu3Lys).